The following is an entry in ClinVar:

NM_001042681.2(RERE):c.4195G>A (p.Glu1399Lys)

Gene: RERE (arginine-glutamic acid dipeptide repeats; minus strand). Cytogenetic location: 1p36.23.
Variant type: single nucleotide variant.
Coding change: c.4195G>A on transcript NM_001042681.2 (MANE Select); coding-DNA position 4195, G replaced by A.
Protein change: p.Glu1399Lys; replaces glutamic acid 1399 with lysine.
Molecular consequence: missense variant.
Genome position (GRCh38, 1-based): chr1:8,358,340, C>T on the plus strand (G>A on the coding strand, the complement: RERE is on the minus strand). VCF-style: chr1-8358340-C-T. GRCh37 (hg19) VCF-style: chr1-8418400-C-T.
Other names: c.2533G>A, p.Glu845Lys (NM_001042682.2); c.4195G>A, p.Glu1399Lys (NM_012102.4); short protein forms E1399K, E845K.
Identifiers: ClinVar variation 3769971 (VCV003769971.2).

ClinVar aggregate classification (germline): Likely pathogenic (1 of 4 stars; one submission).

gnomAD v4.1: 2 of 1,612,440 alleles (0.00012%); highest among the groups gnomAD compares: Non-Finnish European, 0.00017%; no homozygotes.

Submission:

GeneDx
Classification: Likely pathogenic. Last evaluated: 2026-03-17. Review status: criteria provided, single submitter. Criteria: GeneDx Variant Classification Process June 2021. Collection method: clinical testing. Allele origin: germline.
Comment: Not observed at significant frequency in large population cohorts (gnomAD); In silico analysis supports that this missense variant has a deleterious effect on protein structure/function; Has not been previously published as pathogenic or benign to our knowledge